The following is an entry in ClinVar:

ClinVar aggregate classification (germline): Uncertain significance. Review status: criteria provided, multiple submitters, no conflicts (2 of 4 stars). 2 submissions from 2 submitters: Uncertain significance (2). Last evaluated 2024-06-14.

Conditions:
Hereditary cancer-predisposing syndrome. Also called: Tumor predisposition; Neoplastic Syndromes, Hereditary; Hereditary Cancer Syndrome; Hereditary neoplastic syndrome. Identifiers: Orphanet 140162, MedGen C0027672, MeSH D009386, MONDO:0015356.
Neuroblastoma, susceptibility to, 3. Also called: ALK-Related Neuroblastic Tumor Susceptibility. Identifiers: Orphanet 635, MedGen C2751681, MONDO:0013083, OMIM 613014.

Submissions (2):

Labcorp Genetics (formerly Invitae), Labcorp
Classification: Uncertain significance for Neuroblastoma, susceptibility to, 3. Last evaluated: 2024-06-14. Review status: criteria provided, single submitter. Criteria: Invitae Variant Classification Sherloc (09022015). Collection method: clinical testing. Allele origin: germline.
Comment: This sequence change replaces tyrosine, which is neutral and polar, with histidine, which is basic and polar, at codon 262 of the ALK protein (p.Tyr262His). This variant is not present in population databases (gnomAD no frequency). This variant has not been reported in the literature in individuals affected with ALK-related conditions. ClinVar contains an entry for this variant (Variation ID: 1061904). An algorithm developed to predict the effect of missense changes on protein structure and function (PolyPhen-2) suggests that this variant is likely to be tolerated. In summary, the available evidence is currently insufficient to determine the role of this variant in disease. Therefore, it has been classified as a Variant of Uncertain Significance.

Ambry Genetics
Classification: Uncertain significance for Hereditary cancer-predisposing syndrome. Last evaluated: 2023-09-23. Review status: criteria provided, single submitter. Criteria: Ambry Variant Classification Scheme 2023. Collection method: clinical testing. Allele origin: germline.
Comment: The p.Y262H variant (also known as c.784T>C), located in coding exon 2 of the ALK gene, results from a T to C substitution at nucleotide position 784. The tyrosine at codon 262 is replaced by histidine, an amino acid with similar properties. This amino acid position is conserved. In addition, this alteration is predicted to be tolerated by in silico analysis. Since supporting evidence is limited at this time, the clinical significance of this alteration remains unclear.

NM_004304.5(ALK):c.784T>C (p.Tyr262His)

Gene: ALK (ALK receptor tyrosine kinase; minus strand). Cytogenetic location: 2p23.2.
Variant type: single nucleotide variant.
Coding change: c.784T>C on transcript NM_004304.5 (MANE Select); coding-DNA position 784, T replaced by C.
Protein change: p.Tyr262His; replaces tyrosine 262 with histidine.
Molecular consequence: missense variant.
Genome position (GRCh38, 1-based): chr2:29,717,581, A>G on the plus strand (T>C on the coding strand, the complement: ALK is on the minus strand). VCF-style: chr2-29717581-A-G. GRCh37 (hg19) VCF-style: chr2-29940447-A-G.
Other names: c.784T>C (NM_004304.4); short protein forms Y262H.
Identifiers: ClinVar variation 1061904 (VCV001061904.10), dbSNP rs2148307204, ClinGen allele CA346587615.